The following is an entry in ClinVar:

NM_000132.4(F8):c.685T>C (p.Ser229Pro)

Gene: F8 (coagulation factor VIII; minus strand). Cytogenetic location: Xq28.
Variant type: single nucleotide variant.
Coding change: c.685T>C on transcript NM_000132.4 (MANE Select); coding-DNA position 685, T replaced by C.
Protein change: p.Ser229Pro; replaces serine 229 with proline.
Molecular consequence: missense variant.
Genome position (GRCh38, 1-based): chrX:154,984,789, A>G on the plus strand (T>C on the coding strand, the complement: F8 is on the minus strand). VCF-style: chrX-154984789-A-G. GRCh37 (hg19) VCF-style: chrX-154213064-A-G.
Other names: short protein forms S229P.
Identifiers: ClinVar variation 4992372 (VCV004992372.1).

ClinVar aggregate classification (germline): Uncertain significance (1 of 4 stars; one submission).

Conditions:
F8-related disorder. Also called: F8-related condition.

Submission:

PreventionGenetics, part of Exact Sciences
Classification: Uncertain significance for F8-related condition. Last evaluated: 2026-06-23. Review status: criteria provided, single submitter. Criteria: ACMG Guidelines, 2015. Collection method: clinical testing. Allele origin: germline.
Comment: The F8 c.685T>C variant is predicted to result in the amino acid substitution p.Ser229Pro. This variant was reported in an individual with mild Hemophilia A (Table S2, Rydz et al. 2013. PubMed ID: 23913812). This variant has not been reported in a large population database (gnomAD), indicating this variant is rare. At this time, the clinical significance of this variant is uncertain due to the absence of conclusive functional and genetic evidence.